The following is an entry in ClinVar:

NM_007286.6(SYNPO):c.1073C>T (p.Ala358Val)

Gene: SYNPO (synaptopodin; plus strand). Cytogenetic location: 5q33.1.
Variant type: single nucleotide variant.
Coding change: c.1073C>T on transcript NM_007286.6 (MANE Select); coding-DNA position 1073, C replaced by T.
Protein change: p.Ala358Val; replaces alanine 358 with valine.
Molecular consequence: missense variant.
Genome position (GRCh38, 1-based): chr5:150,649,348, C>T. VCF-style: chr5-150649348-C-T. GRCh37 (hg19) VCF-style: chr5-150028910-C-T.
Other names: c.1805C>T, p.Ala602Val (NM_001166208.2, NM_001166209.2); c.1073C>T, p.Ala358Val (NM_001109974.3); short protein forms A358V, A602V.
Identifiers: ClinVar variation 1974236 (VCV001974236.5), dbSNP rs928489254, ClinGen allele CA361781769.

ClinVar aggregate classification (germline): Uncertain significance (1 of 4 stars; one submission).

Allele frequency attached by ClinVar (database versions not stated): gnomAD exomes below 0.00001; gnomAD 0.00001; TOPMed 0.00001.
gnomAD v4.1: 6 of 1,614,086 alleles (0.00037%); highest among the groups gnomAD compares: Admixed American, 0.0033%; no homozygotes.

Submission:

Labcorp Genetics (formerly Invitae), Labcorp
Classification: Uncertain significance. Last evaluated: 2025-06-12. Review status: criteria provided, single submitter. Criteria: Invitae Variant Classification Sherloc (09022015). Collection method: clinical testing. Allele origin: germline.
Comment: This sequence change replaces alanine, which is neutral and non-polar, with valine, which is neutral and non-polar, at codon 358 of the SYNPO protein (p.Ala358Val). This variant is present in population databases (no rsID available, gnomAD 0.006%). This variant has not been reported in the literature in individuals affected with SYNPO-related conditions. ClinVar contains an entry for this variant (Variation ID: 1974236). An algorithm developed to predict the effect of missense changes on protein structure and function outputs the following: PolyPhen-2: "Benign". The valine amino acid residue is found in multiple mammalian species, which suggests that this missense change does not adversely affect protein function. In summary, the available evidence is currently insufficient to determine the role of this variant in disease. Therefore, it has been classified as a Variant of Uncertain Significance.